The following is an entry in ClinVar:

ClinVar aggregate classification (germline): Pathogenic. Review status: criteria provided, multiple submitters, no conflicts (2 of 4 stars). 17 submissions from 17 submitters: Pathogenic (13). 4 of the submissions do not count toward it. Last evaluated 2025-07-30.

Conditions:
Neurodevelopmental disorder with poor language and loss of hand skills. Identifiers: MedGen C4693546, MONDO:0060659, OMIM 617903.
Developmental and epileptic encephalopathy, 59. Also called: Early infantile epileptic encephalopathy 59. Identifiers: MedGen C4693550, MONDO:0033368, OMIM 617904.
Inborn genetic diseases. Identifiers: MedGen C0950123, MeSH D030342.
Rett syndrome (RTT). Also called: AUTISM, DEMENTIA, ATAXIA, AND LOSS OF PURPOSEFUL HAND USE; Rett's disorder. Identifiers: Orphanet 3095, Orphanet 778, MedGen C0035372, MONDO:0010726, OMIM 312750.
GABBR2-related disorder. Also called: GABBR2-related condition; GABBR2-related disorders.
Epileptic encephalopathy. Identifiers: MedGen C0543888, HP:0200134.
Autosomal dominant GABBR2-related disorders.

Submissions (17):

Variantyx, Inc.
Classification: Pathogenic for Autosomal dominant GABBR2-related disorders. Last evaluated: 2025-07-30. Review status: criteria provided, single submitter. Criteria: Variantyx Assertion Criteria 2022. Collection method: clinical testing. Allele origin: germline. Inheritance: Autosomal recessive inheritance. Affected: yes.
Comment: This is a nonsynonymous variant in the GABBR2 gene (OMIM: 607340). Pathogenic variants in this gene have been associated with autosomal dominant GABBR2-related disorders. This variant has been reported in at least 6 unrelated affected individuals (PMID: 26740508, 27541642, 28856709, 28191890) (PS4_Moderate) and is absent from control populations (PM2). Functional studies have shown that this variant alters GABBR2 protein function (PMID: 28856709) (PS3_Moderate), and multiple computational algorithms predict a deleterious effect for this variant (REVEL score: 0.749) (PP3). Based on the current evidence, this variant is classified as pathogenic for autosomal dominant GABBR2-related disorders.

3billion
Classification: Pathogenic for Neurodevelopmental disorder with poor language and loss of hand skills. Last evaluated: 2025-06-04. Review status: criteria provided, single submitter. Criteria: ACMG Guidelines, 2015. Collection method: clinical testing. Allele origin: germline. Affected: yes.
Comment: The variant is not observed in the gnomAD v4.1.0 dataset. Predicted Consequence/Location: Missense variant. Missense changes are a common disease-causing mechanism. In silico tool predictions suggest damaging effect of the variant on gene or gene product [REVEL: 0.75 (>=0.6, sensitivity 0.68 and specificity 0.92)]. The same nucleotide change resulting in the same amino acid change has been previously reported as pathogenic/likely pathogenic with strong evidence (ClinVar ID: VCV000446211 /3billion dataset). The variant has been observed in multiple (>3) similarly affected unrelated individuals (PMID: 28856709). A different missense change at the same codon (p.Ala567Val) has been reported to be associated with GABBR2-related disorder (ClinVar ID: VCV001073462). Therefore, this variant is classified as Pathogenic according to the recommendation of ACMG/AMP guideline.

Groupe Hospitalier Pitie Salpetriere, Uf Genomique Du Developpement, Assistance Publique Hopitaux de Paris Sorbonne Université
Classification: Pathogenic for Developmental and epileptic encephalopathy, 59. Last evaluated: 2024-04-01. Review status: criteria provided, single submitter. Criteria: ACMG Guidelines, 2015. Collection method: clinical testing. Allele origin: germline. Affected: yes.
Comment: This variant is found de novo (PS2), absent or extremely rare in population databases (PM2_supp), a novel missense change at an amino acid residue where a different pathogenic missense change has been seen before (PM5), multiple lines of computational evidence support a deleterious effect on the gene or gene product (PP3) and very strong evidence from reputable sources reporting the variant as pathogenic (PP5_very strong)

Labcorp Genetics (formerly Invitae), Labcorp
Classification: Pathogenic for Epileptic encephalopathy. Last evaluated: 2023-11-28. Review status: criteria provided, single submitter. Criteria: Invitae Variant Classification Sherloc (09022015). Collection method: clinical testing. Allele origin: germline.
Comment: This sequence change replaces alanine, which is neutral and non-polar, with threonine, which is neutral and polar, at codon 567 of the GABBR2 protein (p.Ala567Thr). This variant is not present in population databases (gnomAD no frequency). This missense change has been observed in individual(s) with GABBR2-related conditions (PMID: 26740508, 27541642, 28856709). In at least one individual the variant was observed to be de novo. ClinVar contains an entry for this variant (Variation ID: 446211). Advanced modeling of protein sequence and biophysical properties (such as structural, functional, and spatial information, amino acid conservation, physicochemical variation, residue mobility, and thermodynamic stability) performed at Invitae indicates that this missense variant is not expected to disrupt GABBR2 protein function with a negative predictive value of 80%. Experimental studies have shown that this missense change affects GABBR2 function (PMID: 28856709). For these reasons, this variant has been classified as Pathogenic.

Blueprint Genetics
Classification: Pathogenic for GABBR2-related disorders. Last evaluated: 2023-09-11. Review status: criteria provided, single submitter. Criteria: ACMG Guidelines, 2015. Collection method: clinical testing. Allele origin: de novo. Affected: yes. Observed: 2 variant alleles.

Institute of Human Genetics Munich, TUM University Hospital
Classification: Pathogenic for Neurodevelopmental disorder with poor language and loss of hand skills. Last evaluated: 2020-11-03. Review status: criteria provided, single submitter. Criteria: Classification criteria August 2017. Collection method: clinical testing. Allele origin: de novo. Inheritance: Autosomal dominant inheritance. Affected: yes. Observed: 1 variant allele.

Institute of Medical Genetics and Applied Genomics, University Hospital Tübingen
Classification: Pathogenic. Last evaluated: 2020-10-23. Review status: criteria provided, single submitter. Criteria: ACMG Guidelines, 2015. Collection method: clinical testing. Allele origin: germline. Inheritance: Unknown mechanism. Affected: yes.

Greenwood Genetic Center Diagnostic Laboratories, Greenwood Genetic Center
Classification: Pathogenic. Last evaluated: 2020-07-28. Review status: criteria provided, single submitter. Criteria: ACMG Guidelines, 2015. Collection method: clinical testing. Allele origin: germline. Affected: yes.
Comment: PS2, PS4, PP3, PM2

CeGaT Center for Human Genetics Tuebingen
Classification: Pathogenic. Last evaluated: 2020-04-01. Review status: criteria provided, single submitter. Criteria: CeGaT Center For Human Genetics Tuebingen Variant Classification Criteria Version 2. Collection method: clinical testing. Allele origin: germline. Affected: yes. Observed: 3 variant alleles.

Choi Lab, Seoul National University
Classification: Pathogenic for Rett syndrome. Last evaluated: 2017-09-22. Review status: criteria provided, single submitter. Criteria: Submitter's publication. Collection method: case-control, research, in vitro, in vivo. Allele origin: de novo, not applicable. Inheritance: Autosomal dominant inheritance. Affected: yes. Observed: 3 variant alleles, 3 heterozygotes. Clinical features observed: Rett-like phenotype.
Comment: We identified a recurring de novo variant in GABAB receptor R2 (GABBR2) that reduces the receptor function, whereas different GABBR2 variants in EE patients possess a more profound effect in reducing receptor activity and are more responsive to agonist rescue in an animal model. GABBR2 is a genetic factor that determines RTT- or EE-like phenotype expression depending on the variant positions. GABBR2-mediated Î³-aminobutyric acid signaling is a crucial factor in determining the severity and nature of neurodevelopmental phenotypes.

Ambry Genetics
Classification: Pathogenic for Inborn genetic diseases. Last evaluated: 2016-08-03. Review status: criteria provided, single submitter. Criteria: Ambry exome assertion method (8-5-2015). Collection method: clinical testing. Allele origin: germline. Affected: yes. Observed: 2 variant alleles.

Imagene.me medical diagnostic laboratory, IMAGENE.ME SA
Classification: Pathogenic for Neurodevelopmental disorder with poor language and loss of hand skills. Review status: criteria provided, single submitter. Criteria: IMAGENE.ME Variant Classification SOP 2022. Collection method: clinical testing. Allele origin: de novo. Affected: yes.
Comment: Classified according to the IMAGENE.ME variant classification SOP based on the ACMG guidelines as Pathogenic (P): PS4 + PS3 + PS2 + PM2 + PM5_Supporting + PM1_Supporting + PP5 + PP4 + PP3 + PP2

Rady Children's Institute for Genomic Medicine, Rady Children's Hospital San Diego
Classification: Pathogenic for GABBR2-related disorders. Review status: criteria provided, single submitter. Criteria: ACMG Guidelines, 2015. Collection method: clinical testing. Allele origin: germline. Affected: yes.
Comment: This variant has been previously reported as a de novo heterozygous change in multiple unrelated patients with autism spectrum disorder, motor and language developmental delay, developmental regression, stereotypies, sleep disturbance, and muscular hypotonia with or without epileptic encephalopathy (PMID: 26740508, 27541642, 28191890, 28856709, 28867141, 29346770). A different amino acid change at the same residue (p.Ala567Val) has been observed in individuals with similar clinical phenotype and in at least one of these individuals, this variant was detected to be de novo (Variation ID: 1073462, Invitae internal data). The GABBR2 gene is constrained against variation (Z-score= 4.63 and pLI = 1) and missense variants are a common mechanism of disease (HGMD, ClinVar database). Experimental studies showed that presence of the p.Ala567Thr variant resulted in abnormal protein activity in HEK293 cells without altering protein expression and subcellular localization; furthermore, this variant caused abnormal behaviors in tadpoles (PMID: 28856709). The c.1699G>A (p.Ala567Thr) variant is absent from the gnomAD population database and thus is presumed to be rare. Analysis of the parental samples was negative for the variant, indicating this variant likely occurred as a de novo event. Based on the available evidence, the c.1699G>A (p.Ala567Thr) variant is classified as Pathogenic.

PreventionGenetics, part of Exact Sciences
Classification: Pathogenic for GABBR2-related condition. Last evaluated: 2024-07-22. Review status: no assertion criteria provided. Collection method: clinical testing. Allele origin: germline. Not counted in ClinVar's aggregate classification.
Comment: The GABBR2 c.1699G>A variant is predicted to result in the amino acid substitution p.Ala567Thr. This variant has been reported as a recurrent de novo variant in individuals with Rett-syndrome-like phenotypes and non-specified neurodevelopmental disorders (see, for example, Lopes et al. 2016. PubMed ID: 26740508; Lucariello et al. 2016. PubMed ID: 27541642; Table S1, Takata et al. 2018. PubMed ID: 29346770; Yoo et al. 2017. PubMed ID: 28856709). This variant has not been reported in a large population database, indicating this variant is rare. Another missense variant affecting the same amino acid (p.Ala567Val) has been reported in an individual with autism spectrum disorder (Supplementary Data 1, Zhou et al. 2022. PubMed ID: 35982159). This variant is interpreted as pathogenic.

Zotz-Klimas Genetics Lab, MVZ Zotz Klimas
Classification: Pathogenic for Neurodevelopmental disorder with poor language and loss of hand skills. Last evaluated: 2023-10-30. Review status: no assertion criteria provided. Collection method: clinical testing. Allele origin: germline. Affected: yes. Not counted in ClinVar's aggregate classification.

OMIM
Classification: Pathogenic for NEURODEVELOPMENTAL DISORDER WITH POOR LANGUAGE AND LOSS OF HAND SKILLS. Last evaluated: 2018-03-15. Review status: no assertion criteria provided. Collection method: literature only. Allele origin: germline. Not counted in ClinVar's aggregate classification.

Genomic Medicine Center of Excellence, King Faisal Specialist Hospital and Research Centre
Classification: Uncertain significance for Developmental and epileptic encephalopathy, 59. Last evaluated: 2025-09-10. Review status: flagged submission. Criteria: ACMG Guidelines, 2015. Collection method: clinical testing. Allele origin: germline. Not counted in ClinVar's aggregate classification.
ClinVar note: Reason: Outlier claim with insufficient supporting evidence

Literature cited by the submitters: PubMed 26740508 (cited by 4 submitters); PubMed 27541642 (cited by 3 submitters); PubMed 28856709 (cited by 5 submitters); PubMed 28191890 (cited by Variantyx, Inc.); PubMed 29100083 (cited by OMIM).

NM_005458.8(GABBR2):c.1699G>A (p.Ala567Thr)

Gene: GABBR2 (gamma-aminobutyric acid type B receptor subunit 2; minus strand). Cytogenetic location: 9q22.33.
Variant type: single nucleotide variant.
Coding change: c.1699G>A on transcript NM_005458.8 (MANE Select); coding-DNA position 1699, G replaced by A.
Protein change: p.Ala567Thr; replaces alanine 567 with threonine.
Molecular consequence: missense variant.
Genome position (GRCh38, 1-based): chr9:98,371,535, C>T on the plus strand (G>A on the coding strand, the complement: GABBR2 is on the minus strand). VCF-style: chr9-98371535-C-T. GRCh37 (hg19) VCF-style: chr9-101133817-C-T.
Other names: GABBR2; short protein forms A567T.
Identifiers: ClinVar variation 446211 (VCV000446211.63), dbSNP rs922847767, ClinGen allele CA196783275.